The following is an entry in ClinVar:

ClinVar aggregate classification (germline): Uncertain significance (1 of 4 stars; one submission).

Conditions:
Hereditary cancer-predisposing syndrome. Also called: Neoplastic Syndromes, Hereditary; Tumor predisposition; Hereditary neoplastic syndrome; Hereditary Cancer Syndrome. Identifiers: Orphanet 140162, MedGen C0027672, MeSH D009386, MONDO:0015356.

Submission:

Ambry Genetics
Classification: Uncertain significance for Hereditary cancer-predisposing syndrome. Last evaluated: 2023-03-10. Review status: criteria provided, single submitter. Criteria: Ambry Variant Classification Scheme 2023. Collection method: clinical testing. Allele origin: germline.
Comment: The p.D2084N variant (also known as c.6250G>A), located in coding exon 10 of the BRCA2 gene, results from a G to A substitution at nucleotide position 6250. The aspartic acid at codon 2084 is replaced by asparagine, an amino acid with highly similar properties. This amino acid position is well conserved in available vertebrate species. In addition, this alteration is predicted to be tolerated by in silico analysis. Since supporting evidence is limited at this time, the clinical significance of this alteration remains unclear.

NM_000059.4(BRCA2):c.6250G>A (p.Asp2084Asn)

Gene: BRCA2 (BRCA2 DNA repair associated; plus strand). Cytogenetic location: 13q13.1.
Variant type: single nucleotide variant.
Coding change: c.6250G>A on transcript NM_000059.4 (MANE Select); coding-DNA position 6250, G replaced by A.
Protein change: p.Asp2084Asn; replaces aspartic acid 2084 with asparagine.
Molecular consequence: missense variant. On other transcripts: non-coding transcript variant (1), intron variant (2).
Genome position (GRCh38, 1-based): chr13:32,340,605, G>A. VCF-style: chr13-32340605-G-A. GRCh37 (hg19) VCF-style: chr13-32914742-G-A.
Other names: c.6250G>A, p.Asp2084Asn (NM_001406719.1, NM_001406720.1); c.1910-3953G>A (NM_001406721.1); c.425-3953G>A (NM_001406722.1); short protein forms D2084N.
Identifiers: ClinVar variation 2451567 (VCV002451567.2), dbSNP rs2137525639, ClinGen allele CA387788928.
Genomic context (GRCh38, chr13:32,340,605, plus strand): 5'-AAGCAAGTTTCCATTTTAGAAAGTTCCTTACACAAAGTTAAGGGAGTGTTAGAGGAATTT[G>A]ATTTAATCAGAACTGAGCATAGTCTTCACTATTCACCTACGTCTAGACAAAATGTATCAA-3'
Protein context (NP_000050.3, residues 2074-2094): HKVKGVLEEF[Asp2084Asn]LIRTEHSLHY